The following is an entry in ClinVar:

NM_002471.4(MYH6):c.5566-9C>T

Gene: MYH6 (myosin heavy chain 6; minus strand). Cytogenetic location: 14q11.2.
Variant type: single nucleotide variant.
Coding change: c.5566-9C>T on transcript NM_002471.4 (MANE Select); 9 bases into the intron before coding-DNA position 5566, C replaced by T.
Molecular consequence: intron variant.
Genome position (GRCh38, 1-based): chr14:23,383,329, G>A on the plus strand (C>T on the coding strand, the complement: MYH6 is on the minus strand). VCF-style: chr14-23383329-G-A. GRCh37 (hg19) VCF-style: chr14-23852538-G-A.
Identifiers: ClinVar variation 496159 (VCV000496159.1), dbSNP rs758869144, ClinGen allele CA7114355.

ClinVar aggregate classification (germline): Uncertain significance (1 of 4 stars; one submission).

gnomAD v4.1: 3 of 641,282 alleles (0.00047%); highest among the groups gnomAD compares: Non-Finnish European, 0.00082%; no homozygotes.

Submission:

Women's Health and Genetics/Laboratory Corporation of America, LabCorp
Classification: Uncertain significance. Last evaluated: 2016-09-22. Review status: criteria provided, single submitter. Criteria: LabCorp Variant Classification Summary - May 2015. Collection method: clinical testing. Allele origin: germline.
Comment: Variant summary: The MYH6 c.5566-9C>T variant involves the alteration of a non-conserved intronic nucleotide. One in silico tool predicts a benign outcome for this variant. 5/5 splice prediction tools predict no significant impact on normal splicing. However, these predictions have yet to be confirmed by functional studies. This variant was found in 1/79768 control chromosomes at a frequency of 0.0000125, which does not exceed the estimated maximal expected allele frequency of a pathogenic MYH6 variant (0.000025). The variant of interest has not, to our knowledge, been reported in affected individuals via publications and/or reputable databases/clinical diagnostic laboratories; nor evaluated for functional impact by in vivo/vitro studies. Taken together, this variant is classified as a VUS-possibly benign variant.